The following is an entry in ClinVar:

NM_001001331.4(ATP2B2):c.1802C>A (p.Thr601Asn)

Gene: ATP2B2 (ATPase plasma membrane Ca2+ transporting 2; minus strand). Cytogenetic location: 3p25.3.
Variant type: single nucleotide variant.
Coding change: c.1802C>A on transcript NM_001001331.4 (MANE Select); coding-DNA position 1802, C replaced by A.
Protein change: p.Thr601Asn; replaces threonine 601 with asparagine.
Molecular consequence: missense variant.
Genome position (GRCh38, 1-based): chr3:10,359,981, G>T on the plus strand (C>A on the coding strand, the complement: ATP2B2 is on the minus strand). VCF-style: chr3-10359981-G-T. GRCh37 (hg19) VCF-style: chr3-10401665-G-T.
Other names: c.1667C>A, p.Thr556Asn (NM_001330611.3, NM_001353564.1, NM_001363862.1 and 2 more transcripts); c.1709C>A, p.Thr570Asn (NM_001438646.1); short protein forms T556N, T570N, T601N.
Identifiers: ClinVar variation 4539844 (VCV004539844.1).

ClinVar aggregate classification (germline): Uncertain significance (1 of 4 stars; one submission).

Submission:

GeneDx
Classification: Uncertain significance. Last evaluated: 2025-06-27. Review status: criteria provided, single submitter. Criteria: GeneDx Variant Classification Process June 2021. Collection method: clinical testing. Allele origin: germline. Affected: yes.
Comment: Not observed at significant frequency in large population cohorts (gnomAD); In silico analysis supports that this missense variant has a deleterious effect on protein structure/function; Has not been previously published as pathogenic or benign to our knowledge